The following is an entry in ClinVar:

NM_000179.3(MSH6):c.1495A>C (p.Met499Leu)

Gene: MSH6 (mutS homolog 6; plus strand). Cytogenetic location: 2p16.3.
Variant type: single nucleotide variant.
Coding change: c.1495A>C on transcript NM_000179.3 (MANE Select); coding-DNA position 1495, A replaced by C.
Protein change: p.Met499Leu; replaces methionine 499 with leucine.
Molecular consequence: missense variant.
Genome position (GRCh38, 1-based): chr2:47,799,478, A>C. VCF-style: chr2-47799478-A-C. GRCh37 (hg19) VCF-style: chr2-48026617-A-C.
Other names: c.1105A>C, p.Met369Leu (NM_001281492.2); c.589A>C, p.Met197Leu (NM_001281493.2, NM_001281494.2); short protein forms M369L, M499L, M197L.
Identifiers: ClinVar variation 1438080 (VCV001438080.9), dbSNP rs1114167745, ClinGen allele CA346746144.

ClinVar aggregate classification (germline): Uncertain significance. Review status: criteria provided, multiple submitters, no conflicts (2 of 4 stars). 2 submissions from 2 submitters: Uncertain significance (2). Last evaluated 2023-06-28.

Conditions:
Hereditary nonpolyposis colorectal neoplasms. Identifiers: MedGen C0009405, MeSH D003123.
Lynch syndrome. Identifiers: Orphanet 144, MedGen C4552100, MONDO:0005835. Disease mechanism: loss of function.

Submissions (2):

All of Us Research Program, National Institutes of Health
Classification: Uncertain significance for Lynch syndrome. Last evaluated: 2023-06-28. Review status: criteria provided, single submitter. Criteria: ACMG Guidelines, 2015. Collection method: clinical testing. Allele origin: germline. Inheritance: Autosomal dominant inheritance. Observed: 1 variant allele, 1 heterozygote.
Comment: This study involves interpretation of variants in research participants for the purpose of population health screening. Participant phenotype was not available at the time of variant classification. Additional details can be found in publication PMID: 35346344, PMCID: PMC8962531

Labcorp Genetics (formerly Invitae), Labcorp
Classification: Uncertain significance for Hereditary nonpolyposis colorectal neoplasms. Last evaluated: 2022-02-24. Review status: criteria provided, single submitter. Criteria: Invitae Variant Classification Sherloc (09022015). Collection method: clinical testing. Allele origin: germline.
Comment: This variant is not present in population databases (gnomAD no frequency). This sequence change replaces methionine, which is neutral and non-polar, with leucine, which is neutral and non-polar, at codon 499 of the MSH6 protein (p.Met499Leu). In summary, the available evidence is currently insufficient to determine the role of this variant in disease. Therefore, it has been classified as a Variant of Uncertain Significance. Advanced modeling of protein sequence and biophysical properties (such as structural, functional, and spatial information, amino acid conservation, physicochemical variation, residue mobility, and thermodynamic stability) performed at Invitae indicates that this missense variant is not expected to disrupt MSH6 protein function. This variant has not been reported in the literature in individuals affected with MSH6-related conditions.